The following is an entry in ClinVar:

ClinVar aggregate classification (germline): Uncertain significance (1 of 4 stars; one submission).

Conditions:
Multiple congenital exostosis (EXT). Also called: Hereditary multiple osteochondromas; MULTIPLE CARTILAGINOUS EXOSTOSES; Hereditary multiple exostoses; Hereditary multiple exostosis; Multiple osteochondromas; Multiple exostoses. Identifiers: Orphanet 321, MedGen C0015306, MONDO:0005508, HP:0002762.

Submission:

Labcorp Genetics (formerly Invitae), Labcorp
Classification: Uncertain significance for Multiple congenital exostosis. Last evaluated: 2024-07-10. Review status: criteria provided, single submitter. Criteria: Invitae Variant Classification Sherloc (09022015). Collection method: clinical testing. Allele origin: germline.
Comment: This sequence change replaces histidine, which is basic and polar, with asparagine, which is neutral and polar, at codon 597 of the EXT1 protein (p.His597Asn). This variant is not present in population databases (gnomAD no frequency). This variant has not been reported in the literature in individuals affected with EXT1-related conditions. Advanced modeling of protein sequence and biophysical properties (such as structural, functional, and spatial information, amino acid conservation, physicochemical variation, residue mobility, and thermodynamic stability) performed at Invitae indicates that this missense variant is expected to disrupt EXT1 protein function with a positive predictive value of 80%. In summary, the available evidence is currently insufficient to determine the role of this variant in disease. Therefore, it has been classified as a Variant of Uncertain Significance.

NM_000127.3(EXT1):c.1789C>A (p.His597Asn)

Gene: EXT1 (exostosin glycosyltransferase 1; minus strand). Cytogenetic location: 8q24.11.
Variant type: single nucleotide variant.
Coding change: c.1789C>A on transcript NM_000127.3 (MANE Select); coding-DNA position 1789, C replaced by A.
Protein change: p.His597Asn; replaces histidine 597 with asparagine.
Molecular consequence: missense variant.
Genome position (GRCh38, 1-based): chr8:117,807,311, G>T on the plus strand (C>A on the coding strand, the complement: EXT1 is on the minus strand). VCF-style: chr8-117807311-G-T. GRCh37 (hg19) VCF-style: chr8-118819550-G-T.
Other names: short protein forms H597N.
Identifiers: ClinVar variation 3659170 (VCV003659170.2).
Genomic context (GRCh38, chr8:117,807,311, plus strand): 5'-AGTAGTCGTTCGTCCACTTTGATGTGTATCCCCACCGCTCCTTAGAGTTATCCCAGAAGT[G>T]GCTGCGCGCGGGGTACCCCACAATCCTCTCAGGGAAGCTCTGCCACACTGTGAAGGCGAA-3'
Protein context (NP_000118.2, residues 587-607): ERIVGYPARS[His597Asn]FWDNSKERWG